The following is an entry in ClinVar:

NM_006914.4(RORB):c.329A>G (p.Gln110Arg)

Gene: RORB (RAR related orphan receptor B; plus strand). Cytogenetic location: 9q21.13.
Variant type: single nucleotide variant.
Coding change: c.329A>G on transcript NM_006914.4 (MANE Select); coding-DNA position 329, A replaced by G.
Protein change: p.Gln110Arg; replaces glutamine 110 with arginine.
Molecular consequence: missense variant.
Genome position (GRCh38, 1-based): chr9:74,642,507, A>G. VCF-style: chr9-74642507-A-G. GRCh37 (hg19) VCF-style: chr9-77257423-A-G.
Other names: c.362A>G, p.Gln121Arg (NM_001365023.1); short protein forms Q121R, Q110R.
Identifiers: ClinVar variation 1508716 (VCV001508716.8), dbSNP rs772190881, ClinGen allele CA5083346.

ClinVar aggregate classification (germline): Uncertain significance (1 of 4 stars; one submission).

Allele frequency attached by ClinVar (database versions not stated): gnomAD exomes 0.00001 and 0.00009; ExAC 0.00002.
gnomAD v4.1: 127 of 1,614,254 alleles (0.0079%); highest among the groups gnomAD compares: Middle Eastern, 0.016%; no homozygotes.

Submission:

Labcorp Genetics (formerly Invitae), Labcorp
Classification: Uncertain significance. Last evaluated: 2024-10-24. Review status: criteria provided, single submitter. Criteria: Invitae Variant Classification Sherloc (09022015). Collection method: clinical testing. Allele origin: germline.
Comment: This sequence change replaces glutamine, which is neutral and polar, with arginine, which is basic and polar, at codon 110 of the RORB protein (p.Gln110Arg). This variant is present in population databases (rs772190881, gnomAD 0.004%). This variant has not been reported in the literature in individuals affected with RORB-related conditions. ClinVar contains an entry for this variant (Variation ID: 1508716). An algorithm developed to predict the effect of missense changes on protein structure and function (PolyPhen-2) suggests that this variant is likely to be tolerated. In summary, the available evidence is currently insufficient to determine the role of this variant in disease. Therefore, it has been classified as a Variant of Uncertain Significance.